The following is an entry in ClinVar:

ClinVar aggregate classification (germline): Pathogenic (1 of 4 stars; one submission).

Conditions:
Familial cancer of breast. Also called: Hereditary breast cancer; BREAST CANCER, FAMILIAL; hereditary breast carcinoma. Identifiers: Orphanet 227535, MedGen C0346153, MONDO:0016419, OMIM 114480. Disease mechanism: loss of function.

Submission:

Myriad Genetics, Inc.
Classification: Pathogenic for Familial cancer of breast. Last evaluated: 2023-06-26. Review status: criteria provided, single submitter. Criteria: Myriad Autosomal Dominant, Autosomal Recessive and X-Linked Classification Criteria (2023). Collection method: clinical testing. Allele origin: unknown.
Comment: This variant is considered pathogenic. This variant creates a termination codon and is predicted to result in premature protein truncation.

NM_007194.4(CHEK2):c.636T>A (p.Tyr212Ter)

Gene: CHEK2 (checkpoint kinase 2; minus strand). Cytogenetic location: 22q12.1.
Variant type: single nucleotide variant.
Coding change: c.636T>A on transcript NM_007194.4 (MANE Select); coding-DNA position 636, T replaced by A.
Protein change: p.Tyr212Ter; replaces tyrosine 212 with a stop codon.
Molecular consequence: nonsense. On other transcripts: 5 prime UTR variant (2), intron variant (1).
Genome position (GRCh38, 1-based): chr22:28,719,442, A>T on the plus strand (T>A on the coding strand, the complement: CHEK2 is on the minus strand). VCF-style: chr22-28719442-A-T. GRCh37 (hg19) VCF-style: chr22-29115430-A-T.
Other names: c.765T>A, p.Tyr255Ter (NM_001005735.3, NM_001438294.1); c.-28T>A (NM_001257387.3, NM_001437942.1); c.729T>A, p.Tyr243Ter (NM_001438293.1, NM_001438295.1); c.636T>A, p.Tyr212Ter (NM_145862.3); c.482+5444T>A (NM_001349956.3); short protein forms Y212*, Y255*, Y243*.
Identifiers: ClinVar variation 2583305 (VCV002583305.2), dbSNP rs2053693149, ClinGen allele CA411105025.